The following is an entry in ClinVar:

NM_031935.3(HMCN1):c.8787G>C (p.Gln2929His)

Gene: HMCN1 (hemicentin 1; plus strand). Cytogenetic location: 1q31.1.
Variant type: single nucleotide variant.
Coding change: c.8787G>C on transcript NM_031935.3 (MANE Select); coding-DNA position 8787, G replaced by C.
Protein change: p.Gln2929His; replaces glutamine 2929 with histidine.
Molecular consequence: missense variant.
Genome position (GRCh38, 1-based): chr1:186,081,394, G>C. VCF-style: chr1-186081394-G-C. GRCh37 (hg19) VCF-style: chr1-186050526-G-C.
Other names: short protein forms Q2929H.
Identifiers: ClinVar variation 2008603 (VCV002008603.4), dbSNP rs2527861372, ClinGen allele CA343915868.

ClinVar aggregate classification (germline): Uncertain significance (1 of 4 stars; one submission).

Submission:

Labcorp Genetics (formerly Invitae), Labcorp
Classification: Uncertain significance. Last evaluated: 2023-12-11. Review status: criteria provided, single submitter. Criteria: Invitae Variant Classification Sherloc (09022015). Collection method: clinical testing. Allele origin: germline.
Comment: This sequence change replaces glutamine, which is neutral and polar, with histidine, which is basic and polar, at codon 2929 of the HMCN1 protein (p.Gln2929His). This variant also falls at the last nucleotide of exon 56, which is part of the consensus splice site for this exon. This variant is not present in population databases (gnomAD no frequency). This variant has not been reported in the literature in individuals affected with HMCN1-related conditions. ClinVar contains an entry for this variant (Variation ID: 2008603). An algorithm developed to predict the effect of missense changes on protein structure and function (PolyPhen-2) suggests that this variant is likely to be disruptive. Variants that disrupt the consensus splice site are a relatively common cause of aberrant splicing (PMID: 17576681, 9536098). Algorithms developed to predict the effect of sequence changes on RNA splicing suggest that this variant may disrupt the consensus splice site. In summary, the available evidence is currently insufficient to determine the role of this variant in disease. Therefore, it has been classified as a Variant of Uncertain Significance.

Literature cited by the submitters: PubMed 17576681; PubMed 9536098.